The following is an entry in ClinVar:

NM_000718.4(CACNA1B):c.2093-1G>T

Gene: CACNA1B (calcium voltage-gated channel subunit alpha1 B; plus strand). Cytogenetic location: 9q34.3.
Variant type: single nucleotide variant.
Coding change: c.2093-1G>T on transcript NM_000718.4 (MANE Select); the canonical splice acceptor site of the intron before coding-DNA position 2093, G replaced by T.
Molecular consequence: splice acceptor variant.
Genome position (GRCh38, 1-based): chr9:138,010,009, G>T. VCF-style: chr9-138010009-G-T. GRCh37 (hg19) VCF-style: chr9-140904461-G-T.
Other names: c.2093-1G>T (NM_001243812.2).
Identifiers: ClinVar variation 2001283 (VCV002001283.4), dbSNP rs2539345095, ClinGen allele CA375808616.
Genomic context (GRCh38, chr9:138,010,009, plus strand): 5'-GCTGCAGTGTGACTGGGGCCATGTGGGGCAGAGGTTCCCTTCCTCAGCTGGACCCAACCA[G>T]ACACTCTGCTGAATGTCTTTCTGGCCATCGCTGTGGACAACCTGGCCAACGCCCAAGAGC-3'

ClinVar aggregate classification (germline): Likely pathogenic (1 of 4 stars; one submission).

Submission:

Labcorp Genetics (formerly Invitae), Labcorp
Classification: Likely pathogenic. Last evaluated: 2022-05-31. Review status: criteria provided, single submitter. Criteria: Invitae Variant Classification Sherloc (09022015). Collection method: clinical testing. Allele origin: germline.
Comment: In summary, the currently available evidence indicates that the variant is pathogenic, but additional data are needed to prove that conclusively. Therefore, this variant has been classified as Likely Pathogenic. This variant has not been reported in the literature in individuals affected with CACNA1B-related conditions. This variant is not present in population databases (gnomAD no frequency). This sequence change affects an acceptor splice site in intron 16 of the CACNA1B gene. It is expected to disrupt RNA splicing. Variants that disrupt the donor or acceptor splice site typically lead to a loss of protein function (PMID: 16199547), and loss-of-function variants in CACNA1B are known to be pathogenic (PMID: 30982612).

Literature cited by the submitters: PubMed 16199547; PubMed 30982612.